The following is an entry in ClinVar:

NM_001232.4(CASQ2):c.1191_*35del (p.Asp397_Ter400delinsXaa)

Gene: CASQ2 (calsequestrin 2; minus strand). Cytogenetic location: 1p13.1.
Variant type: Deletion.
Coding change: c.1191_*35del on transcript NM_001232.4 (MANE Select); coding-DNA position 1191 through 35 bases downstream of the stop codon, 45 bases deleted.
Protein change: p.Asp397_Ter400delinsXaa.
Molecular consequence: stop lost.
Genome position (GRCh38, 1-based): chr1:115,701,206-115,701,250, 45 bases deleted; deleting any 45 consecutive bases within chr1:115,701,206-115,701,251 gives the same sequence; the c. name uses the placement nearest the transcript's 3' end. GRCh37 (hg19): chr1:116,243,828-116,243,872.
Identifiers: ClinVar variation 4710603 (VCV004710603.1).

ClinVar aggregate classification (germline): Uncertain significance (1 of 4 stars; one submission).

Conditions:
Catecholaminergic polymorphic ventricular tachycardia 1. Also called: RYR2-Related Catecholaminergic Polymorphic Ventricular Tachycardia; VENTRICULAR TACHYCARDIA, CATECHOLAMINERGIC POLYMORPHIC, 1, WITH OR WITHOUT ATRIAL DYSFUNCTION AND/OR DILATED CARDIOMYOPATHY; VENTRICULAR TACHYCARDIA, STRESS-INDUCED POLYMORPHIC 1. Identifiers: Orphanet 3286, MedGen C1631597, MONDO:0011484, OMIM 604772.

Submission:

Labcorp Genetics (formerly Invitae), Labcorp
Classification: Uncertain significance for Catecholaminergic polymorphic ventricular tachycardia 1. Last evaluated: 2025-03-31. Review status: criteria provided, single submitter. Criteria: Invitae Variant Classification Sherloc (09022015). Collection method: clinical testing. Allele origin: germline.
Comment: This sequence change creates a premature translational stop signal (p.Asp398Serfs*93) in the CASQ2 gene. While this is not anticipated to result in nonsense mediated decay, it is expected to disrupt the last 2 amino acid(s) of the CASQ2 protein and extend the protein by 91 additional amino acid residues. This variant is not present in population databases (gnomAD no frequency). This variant has not been reported in the literature in individuals affected with CASQ2-related conditions. Experimental studies and prediction algorithms are not available or were not evaluated, and the functional significance of this variant is currently unknown. In summary, the available evidence is currently insufficient to determine the role of this variant in disease. Therefore, it has been classified as a Variant of Uncertain Significance.